The following is an entry in ClinVar:

NM_004006.3(DMD):c.6762+141C>T

Gene: DMD (dystrophin; minus strand). Cytogenetic location: Xp21.1.
Variant type: single nucleotide variant.
Coding change: c.6762+141C>T on transcript NM_004006.3 (MANE Select); 141 bases into the intron after coding-DNA position 6762, C replaced by T.
Molecular consequence: intron variant.
Genome position (GRCh38, 1-based): chrX:31,931,939, G>A on the plus strand (C>T on the coding strand, the complement: DMD is on the minus strand). VCF-style: chrX-31931939-G-A. GRCh37 (hg19) VCF-style: chrX-31950056-G-A.
Other names: c.6738+141C>T (NM_000109.4); c.2739+141C>T (NM_004011.4); c.2730+141C>T (NM_004012.4); c.-619+141C>T (NM_004023.3, NM_004020.4, NM_004022.3 and 2 more transcripts); c.6750+141C>T (NM_004009.3); c.6393+141C>T (NM_004010.3).
Identifiers: ClinVar variation 674648 (VCV000674648.2), dbSNP rs16989970, ClinGen allele CA328487796.

ClinVar aggregate classification (germline): Benign. Review status: criteria provided, multiple submitters, no conflicts (2 of 4 stars). 2 submissions from 2 submitters: Benign (2). Last evaluated 2018-06-18.

Allele frequency attached by ClinVar (database versions not stated): 1000 Genomes Project 0.03311; 1000 Genomes Project 30x 0.03476; gnomAD 0.05339 and 0.05500; TOPMed 0.05473; gnomAD exomes 0.05753.
gnomAD v4.1: 37,854 of 666,607 alleles (5.7%); highest among the groups gnomAD compares: Non-Finnish European, 6.9%; 920 homozygotes.

Submissions (2):

GeneDx
Classification: Benign. Last evaluated: 2018-06-18. Review status: criteria provided, single submitter. Criteria: GeneDx Variant Classification (06012015). Collection method: clinical testing. Allele origin: germline. Affected: yes.
Comment: This variant is considered likely benign or benign based on one or more of the following criteria: it is a conservative change, it occurs at a poorly conserved position in the protein, it is predicted to be benign by multiple in silico algorithms, and/or has population frequency not consistent with disease.

Breakthrough Genomics
Classification: Benign. Review status: criteria provided, single submitter. Criteria: ACMG Guidelines, 2015. Collection method: not provided. Allele origin: germline. Inheritance: X-linked inheritance. Affected: yes.